The following is an entry in ClinVar:

ClinVar aggregate classification (germline): Likely benign (1 of 4 stars; one submission).

Submission:

CeGaT Center for Human Genetics Tuebingen
Classification: Likely benign. Last evaluated: 2024-09-01. Review status: criteria provided, single submitter. Criteria: CeGaT Center For Human Genetics Tuebingen Variant Classification Criteria Version 2. Collection method: clinical testing. Allele origin: germline. Affected: yes. Observed: 1 variant allele.
Comment: EXOC7: BP4, BP7

NM_001013839.4(EXOC7):c.1272G>A (p.Ala424=)

Gene: EXOC7 (exocyst complex component 7; minus strand). Cytogenetic location: 17q25.1.
Variant type: single nucleotide variant.
Coding change: c.1272G>A on transcript NM_001013839.4 (MANE Select); coding-DNA position 1272, G replaced by A.
Protein change: p.Ala424=; no amino-acid change (alanine 424 retained).
Molecular consequence: synonymous variant.
Genome position (GRCh38, 1-based): chr17:76,088,491, C>T on the plus strand (G>A on the coding strand, the complement: EXOC7 is on the minus strand). VCF-style: chr17-76088491-C-T. GRCh37 (hg19) VCF-style: chr17-74084572-C-T.
Other names: c.1425G>A, p.Ala475= (NM_001145297.4); c.1248G>A, p.Ala416= (NM_001145298.4); c.1341G>A, p.Ala447= (NM_001145299.4, NM_001375976.1); c.1149G>A, p.Ala383= (NM_001282313.2); c.1272G>A, p.Ala424= (NM_001375974.1); c.1179G>A, p.Ala393= (NM_001375975.1, NM_015219.5).
Identifiers: ClinVar variation 3389119 (VCV003389119.14).
Genomic context (GRCh38, chr17:76,088,491, plus strand): 5'-GGAGGGAGGGAGAAAGGGGAGGACAGCAGGGACCTTGATGTTGTCTGCGAAGTCCTCCAG[C>T]GCTTTGGCACCGATGGTCTCCATGGATGTGATGAGGCCAGGCAGCTTGTTCTTTGTGCTG-3'
Protein context (NP_001013861.1, residues 414-434): ITSMETIGAK[Ala424=]LEDFADNIKN